The following is an entry in ClinVar:

NM_006031.6(PCNT):c.2940G>C (p.Gln980His)

Gene: PCNT (pericentrin; plus strand). Cytogenetic location: 21q22.3.
Variant type: single nucleotide variant.
Coding change: c.2940G>C on transcript NM_006031.6 (MANE Select); coding-DNA position 2940, G replaced by C.
Protein change: p.Gln980His; replaces glutamine 980 with histidine.
Molecular consequence: missense variant.
Genome position (GRCh38, 1-based): chr21:46,366,914, G>C. VCF-style: chr21-46366914-G-C. GRCh37 (hg19) VCF-style: chr21-47786829-G-C.
Other names: c.2586G>C, p.Gln862His (NM_001315529.2); short protein forms Q862H, Q980H.
Identifiers: ClinVar variation 5002440 (VCV005002440.1).

ClinVar aggregate classification (germline): Uncertain significance (1 of 4 stars; one submission).

Conditions:
PCNT-related disorder. Also called: PCNT-related condition.

Submission:

PreventionGenetics, part of Exact Sciences
Classification: Uncertain significance for PCNT-related condition. Last evaluated: 2025-05-01. Review status: criteria provided, single submitter. Criteria: ACMG Guidelines, 2015. Collection method: clinical testing. Allele origin: germline.
Comment: The PCNT c.2940G>C variant is predicted to result in the amino acid substitution p.Gln980His. To our knowledge, this variant has not been reported in the literature or in a large population database (gnomAD), indicating this variant is rare. At this time, the clinical significance of this variant is uncertain due to the absence of conclusive functional and genetic evidence.